The following is an entry in ClinVar:

ClinVar aggregate classification (germline): Pathogenic (1 of 4 stars; one submission).

Conditions:
Intellectual developmental disorder, autosomal dominant 57. Also called: MENTAL RETARDATION, AUTOSOMAL DOMINANT 57; Intellectual disability, autosomal dominant 57. Identifiers: MedGen C4748003, MONDO:0054837, OMIM 618050.

Submission:

Greenwood Genetic Center Diagnostic Laboratories, Greenwood Genetic Center
Classification: Pathogenic for Intellectual developmental disorder, autosomal dominant 57. Last evaluated: 2023-10-26. Review status: criteria provided, single submitter. Criteria: ACMG Guidelines, 2015. Collection method: clinical testing. Allele origin: germline. Affected: yes.
Comment: PVS1, PS2, PM2

NM_006852.6(TLK2):c.267+1G>A

Gene: TLK2 (tousled like kinase 2; plus strand). Cytogenetic location: 17q23.2.
Variant type: single nucleotide variant.
Coding change: c.267+1G>A on transcript NM_006852.6 (MANE Select); the canonical splice donor site of the intron after coding-DNA position 267, G replaced by A.
Molecular consequence: splice donor variant.
Genome position (GRCh38, 1-based): chr17:62,523,178, G>A. VCF-style: chr17-62523178-G-A. GRCh37 (hg19) VCF-style: chr17-60600539-G-A.
Other names: c.267+1G>A (NM_001375271.1, NM_001375270.1, NM_001375272.1 and 3 more transcripts); c.-85+1G>A (NM_001375273.1, NM_001330418.3); c.405+1G>A (NM_001375269.1).
Identifiers: ClinVar variation 2692575 (VCV002692575.1), dbSNP rs2545119735, ClinGen allele CA400514584.